The following is an entry in ClinVar:

NM_198525.3(KIF7):c.2776C>A (p.Arg926=)

Gene: KIF7 (kinesin family member 7; minus strand). Cytogenetic location: 15q26.1.
Variant type: single nucleotide variant.
Coding change: c.2776C>A on transcript NM_198525.3 (MANE Select); coding-DNA position 2776, C replaced by A.
Protein change: p.Arg926=; no amino-acid change (arginine 926 retained).
Molecular consequence: synonymous variant.
Genome position (GRCh38, 1-based): chr15:89,632,939, G>T on the plus strand (C>A on the coding strand, the complement: KIF7 is on the minus strand). VCF-style: chr15-89632939-G-T. GRCh37 (hg19) VCF-style: chr15-90176170-G-T.
Identifiers: ClinVar variation 263143 (VCV000263143.37), dbSNP rs147407072, ClinGen allele CA7727951.

ClinVar aggregate classification (germline): Likely benign. Review status: criteria provided, multiple submitters, no conflicts (2 of 4 stars). 3 submissions from 3 submitters: Likely benign (3). Last evaluated 2025-05-12.

Conditions:
Acrocallosal syndrome (ACLS). Also called: HALLUX DUPLICATION, POSTAXIAL POLYDACTYLY, AND ABSENCE OF CORPUS CALLOSUM; Schinzel syndrome 1; Absence of corpus callosum with unusual facial appearance, mental deficiency, duplication of the halluces and polydactyly. Identifiers: Orphanet 36, MedGen C0796147, MONDO:0008708, OMIM 200990.

Allele frequency attached by ClinVar (database versions not stated): TOPMed 0.00002.
gnomAD v4.1: 31 of 1,558,556 alleles (0.002%); highest among the groups gnomAD compares: African/African-American, 0.0042%; no homozygotes.

Submissions (3):

Labcorp Genetics (formerly Invitae), Labcorp
Classification: Likely benign for Acrocallosal syndrome. Last evaluated: 2025-05-12. Review status: criteria provided, single submitter. Criteria: Invitae Variant Classification Sherloc (09022015). Collection method: clinical testing. Allele origin: germline.

CeGaT Center for Human Genetics Tuebingen
Classification: Likely benign. Last evaluated: 2022-06-01. Review status: criteria provided, single submitter. Criteria: CeGaT Center For Human Genetics Tuebingen Variant Classification Criteria Version 2. Collection method: clinical testing. Allele origin: germline. Affected: yes. Observed: 1 variant allele.
Comment: KIF7: BP4

PreventionGenetics, part of Exact Sciences
Classification: Likely benign. Review status: criteria provided, single submitter. Criteria: ACMG Guidelines, 2015. Collection method: clinical testing. Allele origin: germline.